The following is an entry in ClinVar:

ClinVar aggregate classification (germline): Conflicting classifications of pathogenicity. Review status: criteria provided, conflicting classifications (1 of 4 stars). 6 submissions from 6 submitters: Uncertain significance (1); Likely benign (4). 1 of the submissions does not count toward it. Last evaluated 2026-01-16.

Conditions:
LAMA2-related muscular dystrophy (LAMA2-RD). Also called: Laminin alpha 2-related dystrophy. Identifiers: MedGen C5679788, MONDO:0100228.
LAMA2-related disorder. Also called: LAMA2-related disorders; LAMA2-related condition.
Congenital muscular dystrophy due to partial LAMA2 deficiency. Identifiers: MedGen C1842898.

Allele frequency attached by ClinVar (database versions not stated): gnomAD exomes 0.00005 and 0.00014; ExAC 0.00018; 1000 Genomes Project 0.00040; 1000 Genomes Project 30x 0.00047; gnomAD 0.00067 and 0.00074; TOPMed 0.00076; ESP Exome Variant Server 0.00085.
gnomAD v4.1: 181 of 1,613,920 alleles (0.011%); highest among the groups gnomAD compares: African/African-American, 0.23%; no homozygotes.

Submissions (6):

Labcorp Genetics (formerly Invitae), Labcorp
Classification: Likely benign for LAMA2-related muscular dystrophy. Last evaluated: 2026-01-16. Review status: criteria provided, single submitter. Criteria: Invitae Variant Classification Sherloc (09022015). Collection method: clinical testing. Allele origin: germline.

Blueprint Genetics
Classification: Likely benign. Last evaluated: 2024-11-08. Review status: criteria provided, single submitter. Criteria: ACMG Guidelines, 2015. Collection method: clinical testing. Allele origin: germline.

Revvity Omics, Revvity
Classification: Likely benign. Last evaluated: 2024-04-17. Review status: criteria provided, single submitter. Criteria: ACMG Guidelines, 2015. Collection method: clinical testing. Allele origin: germline.

GeneDx
Classification: Likely benign. Last evaluated: 2020-08-24. Review status: criteria provided, single submitter. Criteria: GeneDx Variant Classification Process June 2021. Collection method: clinical testing. Allele origin: germline. Affected: yes.

Illumina Laboratory Services, Illumina
Classification: Uncertain significance for Congenital muscular dystrophy due to partial LAMA2 deficiency. Last evaluated: 2018-01-13. Review status: criteria provided, single submitter. Criteria: ICSL Variant Classification Criteria 13 December 2019. Collection method: clinical testing. Allele origin: germline.

PreventionGenetics, part of Exact Sciences
Classification: Likely benign for LAMA2-related condition. Last evaluated: 2020-01-17. Review status: no assertion criteria provided. Collection method: clinical testing. Allele origin: germline. Not counted in ClinVar's aggregate classification.
Comment: This variant is classified as likely benign based on ACMG/AMP sequence variant interpretation guidelines (Richards et al. 2015 PMID: 25741868, with internal and published modifications).

NM_000426.4(LAMA2):c.7869A>G (p.Glu2623=)

Gene: LAMA2 (laminin subunit alpha 2; plus strand). Cytogenetic location: 6q22.33.
Variant type: single nucleotide variant.
Coding change: c.7869A>G on transcript NM_000426.4 (MANE Select); coding-DNA position 7869, A replaced by G.
Protein change: p.Glu2623=; no amino-acid change (glutamic acid 2623 retained).
Molecular consequence: synonymous variant.
Genome position (GRCh38, 1-based): chr6:129,486,593, A>G. VCF-style: chr6-129486593-A-G. GRCh37 (hg19) VCF-style: chr6-129807738-A-G.
Other names: c.7857A>G, p.Glu2619= (NM_001079823.2).
Identifiers: ClinVar variation 772229 (VCV000772229.22), dbSNP rs140658201, ClinGen allele CA3994680.
Genomic context (GRCh38, chr6:129,486,593, plus strand): 5'-ACGAACAATGAGGAAAATTGTGATCAGACCAGAGCCGAATCTGTTTCATGATGGAAGAGA[A>G]CATTCCGTTCATGTAGAGCGAACTAGAGGGTAACAATAGCACTAAAATATTTATTATTGT-3'
Protein context (NP_000417.3, residues 2613-2633): PEPNLFHDGR[Glu2623=]HSVHVERTRG